The following is an entry in ClinVar:

NM_000426.4(LAMA2):c.1255del (p.Ile419fs)

Gene: LAMA2 (laminin subunit alpha 2; plus strand). Cytogenetic location: 6q22.33.
Variant type: Deletion.
Coding change: c.1255del on transcript NM_000426.4 (MANE Select); coding-DNA position 1255, one base deleted (A; older notation c.1255delA).
Protein change: p.Ile419fs; shifts the reading frame from isoleucine 419.
Molecular consequence: frameshift variant.
Genome position (GRCh38, 1-based): chr6:129,165,624, A deleted; the last of 2 consecutive A bases (chr6:129,165,623-129,165,624); deleting either gives the same sequence. VCF-style (leftmost placement, unchanged base first): chr6-129165622-CA-C. GRCh37 (hg19) VCF-style: chr6-129486767-CA-C.
Other names: c.1255del, p.Ile419fs (NM_001079823.2); short protein forms I419fs.
Identifiers: ClinVar variation 802260 (VCV000802260.12), dbSNP rs1185229314, ClinGen allele CA818817814.

ClinVar aggregate classification (germline): Pathogenic. Review status: criteria provided, multiple submitters, no conflicts (2 of 4 stars). 3 submissions from 3 submitters: Pathogenic (3). Last evaluated 2024-10-27.

Conditions:
Merosin deficient congenital muscular dystrophy (MDC1A). Also called: Congenital merosin-deficient muscular dystrophy 1A; Congenital Muscular Dystrophy Type 1A (MDC1A). Identifiers: Orphanet 258, MedGen C1263858, MONDO:0011925, OMIM 607855.
Muscular dystrophy, limb-girdle, autosomal recessive 23. Identifiers: Orphanet 565837, MedGen C4748327, MONDO:0029136, OMIM 618138.
LAMA2-related muscular dystrophy (LAMA2-RD). Also called: Laminin alpha 2-related dystrophy. Identifiers: MedGen C5679788, MONDO:0100228.

Submissions (3):

Labcorp Genetics (formerly Invitae), Labcorp
Classification: Pathogenic for LAMA2-related muscular dystrophy. Last evaluated: 2024-10-27. Review status: criteria provided, single submitter. Criteria: Invitae Variant Classification Sherloc (09022015). Collection method: clinical testing. Allele origin: germline.
Comment: This sequence change creates a premature translational stop signal (p.Ile419Leufs*4) in the LAMA2 gene. It is expected to result in an absent or disrupted protein product. Loss-of-function variants in LAMA2 are known to be pathogenic (PMID: 18700894, 32904964). This variant is not present in population databases (gnomAD no frequency). This variant has not been reported in the literature in individuals affected with LAMA2-related conditions. ClinVar contains an entry for this variant (Variation ID: 802260). For these reasons, this variant has been classified as Pathogenic.

Dasa
Classification: Pathogenic for Muscular dystrophy, limb-girdle, autosomal recessive 23. Last evaluated: 2022-01-05. Review status: criteria provided, single submitter. Criteria: ACMG Guidelines, 2015. Collection method: clinical testing. Allele origin: germline. Affected: yes. Observed: 1 variant allele.
Comment: The c.1255del;p.(Ile419Leufs*4) is a null frameshift variant (NMD) in the LAMA2 gene and predicts alteration of the nonsense-mediate decay - NMD is present in a relevantexon to the transcript -PVS1. This sequence change has been observed in affected individual(s) and ClinVar contains an entry for this variant (PMID: 18700894) - PS4. This variant is not present in population databases (rs1185229314, gnomAD; ABraOM no frequency) - PM2. In summary, the currently available evidence indicates that the variant is pathogenic.

Mendelics
Classification: Pathogenic for Merosin deficient congenital muscular dystrophy. Last evaluated: 2019-05-28. Review status: criteria provided, single submitter. Criteria: Mendelics Assertion Criteria 2017. Collection method: clinical testing. Allele origin: unknown.

Literature cited by the submitters: PubMed 18700894 (cited by Labcorp Genetics (formerly Invitae), Labcorp and Dasa); PubMed 32904964 (cited by Labcorp Genetics (formerly Invitae), Labcorp).